The following is an entry in ClinVar:

ClinVar aggregate classification (germline): Uncertain significance (1 of 4 stars; one submission).

Conditions:
Mendelian susceptibility to mycobacterial diseases due to complete IL12B deficiency. Also called: IL12B DEFICIENCY; Immunodeficiency 29. Identifiers: Orphanet 319558, MedGen C4013948, MONDO:0013954, OMIM 614890.

gnomAD v4.1: 4 of 1,614,168 alleles (0.00025%); highest among the groups gnomAD compares: Admixed American, 0.005%; no homozygotes.

Submission:

Labcorp Genetics (formerly Invitae), Labcorp
Classification: Uncertain significance for Mendelian susceptibility to mycobacterial diseases due to complete IL12B deficiency. Last evaluated: 2026-01-14. Review status: criteria provided, single submitter. Criteria: Invitae Variant Classification Sherloc (09022015). Collection method: clinical testing. Allele origin: germline.
Comment: This sequence change replaces histidine, which is basic and polar, with arginine, which is basic and polar, at codon 216 of the IL12B protein (p.His216Arg). This variant is present in population databases (no rsID available, gnomAD 0.006%). This variant has not been reported in the literature in individuals affected with IL12B-related conditions. Invitae Evidence Modeling of protein sequence and biophysical properties (such as structural, functional, and spatial information, amino acid conservation, physicochemical variation, residue mobility, and thermodynamic stability) indicates that this missense variant is not expected to disrupt IL12B protein function with a negative predictive value of 80%. In summary, the available evidence is currently insufficient to determine the role of this variant in disease. Therefore, it has been classified as a Variant of Uncertain Significance.

NM_002187.3(IL12B):c.647A>G (p.His216Arg)

Gene: IL12B (interleukin 12B; minus strand). Cytogenetic location: 5q33.3.
Variant type: single nucleotide variant.
Coding change: c.647A>G on transcript NM_002187.3 (MANE Select); coding-DNA position 647, A replaced by G.
Protein change: p.His216Arg; replaces histidine 216 with arginine.
Molecular consequence: missense variant.
Genome position (GRCh38, 1-based): chr5:159,320,356, T>C on the plus strand (A>G on the coding strand, the complement: IL12B is on the minus strand). VCF-style: chr5-159320356-T-C. GRCh37 (hg19) VCF-style: chr5-158747364-T-C.
Other names: short protein forms H216R.
Identifiers: ClinVar variation 4708388 (VCV004708388.1).